The following is an entry in ClinVar:

NM_017950.4(CCDC40):c.2607G>A (p.Val869=)

Gene: CCDC40 (coiled-coil domain 40 molecular ruler complex subunit; plus strand). Cytogenetic location: 17q25.3.
Variant type: single nucleotide variant.
Coding change: c.2607G>A on transcript NM_017950.4 (MANE Select); coding-DNA position 2607, G replaced by A.
Protein change: p.Val869=; no amino-acid change (valine 869 retained).
Molecular consequence: synonymous variant.
Genome position (GRCh38, 1-based): chr17:80,087,764, G>A. VCF-style: chr17-80087764-G-A. GRCh37 (hg19) VCF-style: chr17-78061563-G-A.
Other names: c.2607G>A, p.Val869= (NM_001243342.2).
Identifiers: ClinVar variation 4780869 (VCV004780869.1).

ClinVar aggregate classification (germline): Uncertain significance (1 of 4 stars; one submission).

Conditions:
Primary ciliary dyskinesia. Also called: Ciliary dyskinesia. Identifiers: Orphanet 244, MedGen C0008780, MONDO:0016575, HP:0012265.

Submission:

Labcorp Genetics (formerly Invitae), Labcorp
Classification: Uncertain significance for Primary ciliary dyskinesia. Last evaluated: 2025-08-18. Review status: criteria provided, single submitter. Criteria: Invitae Variant Classification Sherloc (09022015). Collection method: clinical testing. Allele origin: germline.
Comment: This sequence change affects codon 869 of the CCDC40 mRNA. It is a 'silent' change, meaning that it does not change the encoded amino acid sequence of the CCDC40 protein. This variant is not present in population databases (gnomAD no frequency). This variant has not been reported in the literature in individuals affected with CCDC40-related conditions. Algorithms developed to predict the effect of sequence changes on RNA splicing suggest that this variant may create or strengthen a splice site. In summary, the available evidence is currently insufficient to determine the role of this variant in disease. Therefore, it has been classified as a Variant of Uncertain Significance.